The following is an entry in ClinVar:

NM_201596.3(CACNB2):c.121-18_121-3del

Gene: CACNB2 (calcium voltage-gated channel auxiliary subunit beta 2; plus strand). Cytogenetic location: 10p12.33.
Variant type: Deletion.
Coding change: c.121-18_121-3del on transcript NM_201596.3 (MANE Select); 18 bases into the intron before coding-DNA position 121 through 3 bases into the intron before coding-DNA position 121, 16 bases deleted (TTTTTTTTTTTTTTTT).
Molecular consequence: intron variant.
Genome position (GRCh38, 1-based): chr10:18,150,865-18,150,880, TTTTTTTTTTTTTTTT deleted; deleting any 16 consecutive bases within chr10:18,150,856-18,150,880 gives the same sequence; the c. name uses the placement nearest the transcript's 3' end. VCF-style (leftmost placement, unchanged base first): chr10-18150855-CTTTTTTTTTTTTTTTT-C. GRCh37 (hg19) VCF-style: chr10-18439784-CTTTTTTTTTTTTTTTT-C.
Other names: c.37-18_37-3del (NM_201571.4, NM_001167945.2, NM_201572.4); c.121-18_121-3del (NM_201593.3, NM_201597.3).
Identifiers: ClinVar variation 4979757 (VCV004979757.1).

ClinVar aggregate classification (germline): Likely benign (1 of 4 stars; one submission).

Conditions:
CACNB2-related disorder. Also called: CACNB2-related condition.

Submission:

PreventionGenetics, part of Exact Sciences
Classification: Likely benign for CACNB2-related condition. Last evaluated: 2025-06-23. Review status: criteria provided, single submitter. Criteria: ACMG Guidelines, 2015. Collection method: clinical testing. Allele origin: germline.
Comment: This variant is classified as likely benign based on ACMG/AMP sequence variant interpretation guidelines (Richards et al. 2015 PMID: 25741868, with internal and published modifications).